The following is an entry in ClinVar:

NM_014159.7(SETD2):c.2273A>C (p.Asp758Ala)

Gene: SETD2 (SET domain containing 2, histone lysine methyltransferase; minus strand). Cytogenetic location: 3p21.31.
Variant type: single nucleotide variant.
Coding change: c.2273A>C on transcript NM_014159.7 (MANE Select); coding-DNA position 2273, A replaced by C.
Protein change: p.Asp758Ala; replaces aspartic acid 758 with alanine.
Molecular consequence: missense variant. On other transcripts: non-coding transcript variant (1).
Genome position (GRCh38, 1-based): chr3:47,122,363, T>G on the plus strand (A>C on the coding strand, the complement: SETD2 is on the minus strand). VCF-style: chr3-47122363-T-G. GRCh37 (hg19) VCF-style: chr3-47163853-T-G.
Other names: c.2141A>C, p.Asp714Ala (NM_001349370.3); short protein forms D714A, D758A.
Identifiers: ClinVar variation 2709696 (VCV002709696.3), dbSNP rs2106676530, ClinGen allele CA352527066.

ClinVar aggregate classification (germline): Uncertain significance (1 of 4 stars; one submission).

Conditions:
Luscan-Lumish syndrome. Identifiers: Orphanet 597738, MedGen C4085873, MONDO:0014791, OMIM 616831.

Submission:

Labcorp Genetics (formerly Invitae), Labcorp
Classification: Uncertain significance for Luscan-Lumish syndrome. Last evaluated: 2024-01-16. Review status: criteria provided, single submitter. Criteria: Invitae Variant Classification Sherloc (09022015). Collection method: clinical testing. Allele origin: germline.
Comment: This sequence change replaces aspartic acid, which is acidic and polar, with alanine, which is neutral and non-polar, at codon 758 of the SETD2 protein (p.Asp758Ala). This variant is not present in population databases (gnomAD no frequency). This variant has not been reported in the literature in individuals affected with SETD2-related conditions. Advanced modeling of protein sequence and biophysical properties (such as structural, functional, and spatial information, amino acid conservation, physicochemical variation, residue mobility, and thermodynamic stability) performed at Invitae indicates that this missense variant is not expected to disrupt SETD2 protein function with a negative predictive value of 80%. In summary, the available evidence is currently insufficient to determine the role of this variant in disease. Therefore, it has been classified as a Variant of Uncertain Significance.